The following is an entry in ClinVar:

NM_015909.4(NBAS):c.4621A>T (p.Met1541Leu)

Gene: NBAS (NBAS subunit of NRZ tethering complex; minus strand). Cytogenetic location: 2p24.3.
Variant type: single nucleotide variant.
Coding change: c.4621A>T on transcript NM_015909.4 (MANE Select); coding-DNA position 4621, A replaced by T.
Protein change: p.Met1541Leu; replaces methionine 1541 with leucine.
Molecular consequence: missense variant. On other transcripts: non-coding transcript variant (1).
Genome position (GRCh38, 1-based): chr2:15,309,209, T>A on the plus strand (A>T on the coding strand, the complement: NBAS is on the minus strand). VCF-style: chr2-15309209-T-A. GRCh37 (hg19) VCF-style: chr2-15449333-T-A.
Other names: short protein forms M1541L.
Identifiers: ClinVar variation 2150416 (VCV002150416.1), dbSNP rs1318831518, ClinGen allele CA345893669.

ClinVar aggregate classification (germline): Uncertain significance (1 of 4 stars; one submission).

Allele frequency attached by ClinVar (database versions not stated): TOPMed below 0.00001.

Submission:

Labcorp Genetics (formerly Invitae), Labcorp
Classification: Uncertain significance. Last evaluated: 2022-07-15. Review status: criteria provided, single submitter. Criteria: Invitae Variant Classification Sherloc (09022015). Collection method: clinical testing. Allele origin: germline.
Comment: This sequence change replaces methionine, which is neutral and non-polar, with leucine, which is neutral and non-polar, at codon 1541 of the NBAS protein (p.Met1541Leu). This variant is not present in population databases (gnomAD no frequency). This variant has not been reported in the literature in individuals affected with NBAS-related conditions. Algorithms developed to predict the effect of missense changes on protein structure and function are either unavailable or do not agree on the potential impact of this missense change (SIFT: "Deleterious"; PolyPhen-2: "Benign"; Align-GVGD: "Class C0"). In summary, the available evidence is currently insufficient to determine the role of this variant in disease. Therefore, it has been classified as a Variant of Uncertain Significance.